The following is an entry in ClinVar:

ClinVar aggregate classification (germline): Uncertain significance. Review status: criteria provided, multiple submitters, no conflicts (2 of 4 stars). 2 submissions from 2 submitters: Uncertain significance (2). Last evaluated 2025-09-22.

Conditions:
Inborn genetic diseases. Identifiers: MedGen C0950123, MeSH D030342.
Norman-Roberts syndrome (LIS2). Also called: Lissencephaly 2 (Norman-Roberts type). Identifiers: Orphanet 89844, MedGen C0796089, MONDO:0009760, OMIM 257320.
Familial temporal lobe epilepsy 7. Identifiers: Orphanet 101046, MedGen C4225327, MONDO:0014639, OMIM 616436.

Allele frequency attached by ClinVar (database versions not stated): ExAC 0.00001; gnomAD exomes 0.00001; TOPMed 0.00001; gnomAD 0.00002.
gnomAD v4.1: 21 of 1,613,710 alleles (0.0013%); highest among the groups gnomAD compares: Non-Finnish European, 0.0017%; no homozygotes.

Submissions (2):

Ambry Genetics
Classification: Uncertain significance for Inborn genetic diseases. Last evaluated: 2025-09-22. Review status: criteria provided, single submitter. Criteria: Ambry Variant Classification Scheme 2023. Collection method: clinical testing. Allele origin: germline.

Labcorp Genetics (formerly Invitae), Labcorp
Classification: Uncertain significance for Familial temporal lobe epilepsy 7; Norman-Roberts syndrome. Last evaluated: 2025-08-18. Review status: criteria provided, single submitter. Criteria: Invitae Variant Classification Sherloc (09022015). Collection method: clinical testing. Allele origin: germline.
Comment: This sequence change replaces asparagine, which is neutral and polar, with serine, which is neutral and polar, at codon 1910 of the RELN protein (p.Asn1910Ser). This variant is present in population databases (rs769629779, gnomAD 0.0009%). This variant has not been reported in the literature in individuals affected with RELN-related conditions. ClinVar contains an entry for this variant (Variation ID: 2165478). Invitae Evidence Modeling of protein sequence and biophysical properties (such as structural, functional, and spatial information, amino acid conservation, physicochemical variation, residue mobility, and thermodynamic stability) indicates that this missense variant is not expected to disrupt RELN protein function with a negative predictive value of 80%. In summary, the available evidence is currently insufficient to determine the role of this variant in disease. Therefore, it has been classified as a Variant of Uncertain Significance.

NM_005045.4(RELN):c.5729A>G (p.Asn1910Ser)

Gene: RELN (reelin; minus strand). Cytogenetic location: 7q22.1.
Variant type: single nucleotide variant.
Coding change: c.5729A>G on transcript NM_005045.4 (MANE Select); coding-DNA position 5729, A replaced by G.
Protein change: p.Asn1910Ser; replaces asparagine 1910 with serine.
Molecular consequence: missense variant.
Genome position (GRCh38, 1-based): chr7:103,557,045, T>C on the plus strand (A>G on the coding strand, the complement: RELN is on the minus strand). VCF-style: chr7-103557045-T-C. GRCh37 (hg19) VCF-style: chr7-103197492-T-C.
Other names: c.5729A>G (NM_005045.3); c.5729A>G, p.Asn1910Ser (NM_173054.3); short protein forms N1910S.
Identifiers: ClinVar variation 2165478 (VCV002165478.5), dbSNP rs769629779, ClinGen allele CA4421125.